The following is an entry in ClinVar:

ClinVar aggregate classification (germline): Uncertain significance (1 of 4 stars; one submission).

Conditions:
Dilated cardiomyopathy 1R (CMD1R). Identifiers: Orphanet 154, Orphanet 54260, MedGen C3150681, MONDO:0013261, OMIM 613424.
Hypertrophic cardiomyopathy 11. Also called: ACTC1-Related Familial Hypertrophic Cardiomyopathy. Identifiers: MedGen C2677506, MONDO:0012799, OMIM 612098.
Atrial septal defect 5 (ASD5). Identifiers: Orphanet 1478, MedGen C2748552, MONDO:0013011, OMIM 612794.

Submission:

Labcorp Genetics (formerly Invitae), Labcorp
Classification: Uncertain significance for Dilated cardiomyopathy 1R; Hypertrophic cardiomyopathy 11; Atrial septal defect 5. Last evaluated: 2022-04-21. Review status: criteria provided, single submitter. Criteria: Invitae Variant Classification Sherloc (09022015). Collection method: clinical testing. Allele origin: germline.
Comment: This variant is not present in population databases (gnomAD no frequency). This variant has not been reported in the literature in individuals affected with ACTC1-related conditions. Algorithms developed to predict the effect of missense changes on protein structure and function are either unavailable or do not agree on the potential impact of this missense change (SIFT: "Deleterious"; PolyPhen-2: "Benign"; Align-GVGD: "Class C15"). In summary, the available evidence is currently insufficient to determine the role of this variant in disease. Therefore, it has been classified as a Variant of Uncertain Significance. This sequence change replaces tyrosine, which is neutral and polar, with phenylalanine, which is neutral and non-polar, at codon 220 of the ACTC1 protein (p.Tyr220Phe).

NM_005159.5(ACTC1):c.659A>T (p.Tyr220Phe)

Genes: ACTC1 (actin alpha cardiac muscle 1; minus strand), GJD2-DT (GJD2 divergent transcript; plus strand). Cytogenetic location: 15q14.
Variant type: single nucleotide variant.
Coding change: c.659A>T on transcript NM_005159.5 (MANE Select); coding-DNA position 659, A replaced by T.
Protein change: p.Tyr220Phe; replaces tyrosine 220 with phenylalanine.
Molecular consequence: missense variant.
Genome position (GRCh38, 1-based): chr15:34,792,239, T>A on the plus strand (A>T on the coding strand, the complement: ACTC1 is on the minus strand). VCF-style: chr15-34792239-T-A. GRCh37 (hg19) VCF-style: chr15-35084440-T-A.
Other names: c.659A>T, p.Tyr220Phe (NM_001406482.1, NM_001406483.1); c.524A>T, p.Tyr175Phe (NM_001406484.1); c.218A>T, p.Tyr73Phe (NM_001406485.1); short protein forms Y175F, Y220F, Y73F.
Identifiers: ClinVar variation 2129048 (VCV002129048.4), dbSNP rs2504180304, ClinGen allele CA391630662.